The following is an entry in ClinVar:

NM_001375524.1(TRRAP):c.2888C>T (p.Ala963Val)

Gene: TRRAP (transformation/transcription domain associated protein; plus strand). Cytogenetic location: 7q22.1.
Variant type: single nucleotide variant.
Coding change: c.2888C>T on transcript NM_001375524.1 (MANE Select); coding-DNA position 2888, C replaced by T.
Protein change: p.Ala963Val; replaces alanine 963 with valine.
Molecular consequence: missense variant.
Genome position (GRCh38, 1-based): chr7:98,925,176, C>T. VCF-style: chr7-98925176-C-T. GRCh37 (hg19) VCF-style: chr7-98522799-C-T.
Other names: c.2888C>T, p.Ala963Val (NM_001244580.2, NM_003496.4); short protein forms A963V.
Identifiers: ClinVar variation 2574976 (VCV002574976.3), dbSNP rs2116485300, ClinGen allele CA368295057.

ClinVar aggregate classification (germline): Uncertain significance. Review status: criteria provided, multiple submitters, no conflicts (2 of 4 stars). 2 submissions from 2 submitters: Uncertain significance (2). Last evaluated 2026-02-11.

Allele frequency attached by ClinVar (database versions not stated): gnomAD exomes below 0.00001.
gnomAD v4.1: 1 of 1,614,128 alleles (0.000062%); highest among the groups gnomAD compares: Non-Finnish European, 0.000085%; no homozygotes.

Submissions (2):

Women's Health and Genetics/Laboratory Corporation of America, LabCorp
Classification: Uncertain significance. Last evaluated: 2026-02-11. Review status: criteria provided, single submitter. Criteria: LabCorp Variant Classification Summary - May 2015. Collection method: clinical testing. Allele origin: germline.
Comment: Variant summary: TRRAP c.2888C>T (p.Ala963Val) results in a non-conservative amino acid change in the encoded protein sequence. Algorithms developed to predict the effect of missense changes on protein structure and function all suggest that this variant is likely to be disruptive. The variant was absent in 251486 control chromosomes. The available data on variant occurrences in the general population are insufficient to allow any conclusion about variant significance. To our knowledge, no occurrence of c.2888C>T in individuals affected with TRRAP-related conditions and no experimental evidence demonstrating its impact on protein function have been reported. ClinVar contains an entry for this variant (Variation ID: 2574976). Based on the evidence outlined above, the variant was classified as uncertain significance.

GeneDx
Classification: Uncertain significance. Last evaluated: 2023-12-28. Review status: criteria provided, single submitter. Criteria: GeneDx Variant Classification Process June 2021. Collection method: clinical testing. Allele origin: germline. Affected: yes.
Comment: Not observed at significant frequency in large population cohorts (gnomAD); In silico analysis supports that this missense variant has a deleterious effect on protein structure/function; Has not been previously published as pathogenic or benign to our knowledge